The following is an entry in ClinVar:

ClinVar aggregate classification (germline): Uncertain significance (1 of 4 stars; one submission).

Allele frequency attached by ClinVar (database versions not stated): TOPMed 0.00001; gnomAD 0.00003; gnomAD exomes 0.00004; 1000 Genomes Project 30x 0.00016; ExAC 0.00059.
gnomAD v4.1: 56 of 1,550,034 alleles (0.0036%); highest among the groups gnomAD compares: South Asian, 0.063%; 1 homozygote.

Submission:

Labcorp Genetics (formerly Invitae), Labcorp
Classification: Uncertain significance. Last evaluated: 2024-02-26. Review status: criteria provided, single submitter. Criteria: Invitae Variant Classification Sherloc (09022015). Collection method: clinical testing. Allele origin: germline.
Comment: This sequence change replaces valine, which is neutral and non-polar, with isoleucine, which is neutral and non-polar, at codon 2803 of the ZNF469 protein (p.Val2803Ile). This variant is present in population databases (rs753082153, gnomAD 0.07%). This variant has not been reported in the literature in individuals affected with ZNF469-related conditions. Algorithms developed to predict the effect of missense changes on protein structure and function output the following: SIFT: "Not Available"; PolyPhen-2: "Benign"; Align-GVGD: "Not Available". The isoleucine amino acid residue is found in multiple mammalian species, which suggests that this missense change does not adversely affect protein function. In summary, the available evidence is currently insufficient to determine the role of this variant in disease. Therefore, it has been classified as a Variant of Uncertain Significance.

NM_001367624.2(ZNF469):c.8491G>A (p.Val2831Ile)

Gene: ZNF469 (zinc finger protein 469; plus strand). Cytogenetic location: 16q24.2.
Variant type: single nucleotide variant.
Coding change: c.8491G>A on transcript NM_001367624.2 (MANE Select); coding-DNA position 8491, G replaced by A.
Protein change: p.Val2831Ile; replaces valine 2831 with isoleucine.
Molecular consequence: missense variant.
Genome position (GRCh38, 1-based): chr16:88,435,961, G>A. VCF-style: chr16-88435961-G-A. GRCh37 (hg19) VCF-style: chr16-88502369-G-A.
Other names: short protein forms V2831I.
Identifiers: ClinVar variation 2732261 (VCV002732261.2), dbSNP rs753082153, ClinGen allele CA8225341.